The following is an entry in ClinVar:

NM_007194.4(CHEK2):c.396A>T (p.Arg132Ser)

Gene: CHEK2 (checkpoint kinase 2; minus strand). Cytogenetic location: 22q12.1.
Variant type: single nucleotide variant.
Coding change: c.396A>T on transcript NM_007194.4 (MANE Select); coding-DNA position 396, A replaced by T.
Protein change: p.Arg132Ser; replaces arginine 132 with serine.
Molecular consequence: missense variant.
Genome position (GRCh38, 1-based): chr22:28,725,291, T>A on the plus strand (A>T on the coding strand, the complement: CHEK2 is on the minus strand). VCF-style: chr22-28725291-T-A. GRCh37 (hg19) VCF-style: chr22-29121279-T-A.
Other names: c.525A>T, p.Arg175Ser (NM_001005735.3); c.-382A>T (NM_001257387.3); c.396A>T, p.Arg132Ser (NM_001349956.3, NM_145862.3); short protein forms R132S, R175S.
Identifiers: ClinVar variation 1709429 (VCV001709429.2), dbSNP rs1601825496, ClinGen allele CA411108023.

ClinVar aggregate classification (germline): Uncertain significance (1 of 4 stars; one submission).

Conditions:
Familial cancer of breast. Also called: Hereditary breast cancer; BREAST CANCER, FAMILIAL; hereditary breast carcinoma. Identifiers: Orphanet 227535, MedGen C0346153, MONDO:0016419, OMIM 114480. Disease mechanism: loss of function.

Submission:

MGZ Medical Genetics Center
Classification: Uncertain significance for Familial cancer of breast. Last evaluated: 2022-07-21. Review status: criteria provided, single submitter. Criteria: ACMG Guidelines, 2015. Collection method: clinical testing. Allele origin: germline. Affected: yes. Observed: 2 variant alleles.
Comment: ACMG criteria applied: PM2_SUP, BP4